The following is an entry in ClinVar:

NM_001291746.2(REL):c.589A>G (p.Ser197Gly)

Gene: REL (REL proto-oncogene, NF-kB subunit; plus strand). Cytogenetic location: 2p16.1.
Variant type: single nucleotide variant.
Coding change: c.589A>G on transcript NM_001291746.2 (MANE Select); coding-DNA position 589, A replaced by G.
Protein change: p.Ser197Gly; replaces serine 197 with glycine.
Molecular consequence: missense variant.
Genome position (GRCh38, 1-based): chr2:60,918,244, A>G. VCF-style: chr2-60918244-A-G. GRCh37 (hg19) VCF-style: chr2-61145379-A-G.
Other names: c.589A>G, p.Ser197Gly (NM_002908.4); short protein forms S197G.
Identifiers: ClinVar variation 2629360 (VCV002629360.1), dbSNP rs865799002, ClinGen allele CA49058863.

ClinVar aggregate classification (germline): Uncertain significance (1 of 4 stars; one submission).

Conditions:
REL-related disorder. Also called: REL-related condition.

gnomAD v4.1: 8 of 1,610,452 alleles (0.0005%); highest among the groups gnomAD compares: Middle Eastern, 0.13%; no homozygotes.

Submission:

PreventionGenetics, part of Exact Sciences
Classification: Uncertain significance for REL-related condition. Last evaluated: 2022-12-08. Review status: criteria provided, single submitter. Criteria: ACMG Guidelines, 2015. Collection method: clinical testing. Allele origin: germline.
Comment: The REL c.589A>G variant is predicted to result in the amino acid substitution p.Ser197Gly. To our knowledge, this variant has not been reported in the literature. This variant is reported in 0.00088% of alleles in individuals of European (Non-Finnish) descent in gnomAD. At this time, the clinical significance of this variant is uncertain due to the absence of conclusive functional and genetic evidence.